The following is an entry in ClinVar:

NM_001845.6(COL4A1):c.1540C>T (p.Pro514Ser)

Gene: COL4A1 (collagen type IV alpha 1 chain; minus strand). Cytogenetic location: 13q34.
Variant type: single nucleotide variant.
Coding change: c.1540C>T on transcript NM_001845.6 (MANE Select); coding-DNA position 1540, C replaced by T.
Protein change: p.Pro514Ser; replaces proline 514 with serine.
Molecular consequence: missense variant.
Genome position (GRCh38, 1-based): chr13:110,187,326, G>A on the plus strand (C>T on the coding strand, the complement: COL4A1 is on the minus strand). VCF-style: chr13-110187326-G-A. GRCh37 (hg19) VCF-style: chr13-110839673-G-A.
Other names: short protein forms P514S.
Identifiers: ClinVar variation 2125459 (VCV002125459.4), dbSNP rs1490237511, ClinGen allele CA388723235.

ClinVar aggregate classification (germline): Uncertain significance (1 of 4 stars; one submission).

Allele frequency attached by ClinVar (database versions not stated): gnomAD exomes below 0.00001.
gnomAD v4.1: 1 of 1,612,092 alleles (0.000062%); highest among the groups gnomAD compares: Non-Finnish European, 0.000085%; no homozygotes.

Submission:

Labcorp Genetics (formerly Invitae), Labcorp
Classification: Uncertain significance. Last evaluated: 2023-11-27. Review status: criteria provided, single submitter. Criteria: Invitae Variant Classification Sherloc (09022015). Collection method: clinical testing. Allele origin: germline.
Comment: This sequence change replaces proline, which is neutral and non-polar, with serine, which is neutral and polar, at codon 514 of the COL4A1 protein (p.Pro514Ser). This variant is not present in population databases (gnomAD no frequency). This variant has not been reported in the literature in individuals affected with COL4A1-related conditions. ClinVar contains an entry for this variant (Variation ID: 2125459). Advanced modeling of protein sequence and biophysical properties (such as structural, functional, and spatial information, amino acid conservation, physicochemical variation, residue mobility, and thermodynamic stability) performed at Invitae indicates that this missense variant is not expected to disrupt COL4A1 protein function with a negative predictive value of 95%. In summary, the available evidence is currently insufficient to determine the role of this variant in disease. Therefore, it has been classified as a Variant of Uncertain Significance.